The following is an entry in ClinVar:

NM_001005498.4(RHBDF2):c.277G>A (p.Ala93Thr)

Gene: RHBDF2 (rhomboid 5 homolog 2; minus strand). Cytogenetic location: 17q25.1.
Variant type: single nucleotide variant.
Coding change: c.277G>A on transcript NM_001005498.4 (MANE Select); coding-DNA position 277, G replaced by A.
Protein change: p.Ala93Thr; replaces alanine 93 with threonine.
Molecular consequence: missense variant. On other transcripts: non-coding transcript variant (3).
Genome position (GRCh38, 1-based): chr17:76,479,273, C>T on the plus strand (G>A on the coding strand, the complement: RHBDF2 is on the minus strand). VCF-style: chr17-76479273-C-T. GRCh37 (hg19) VCF-style: chr17-74475355-C-T.
Other names: c.277G>A, p.Ala93Thr (NM_001376228.1, NM_001376229.1, NM_001376230.1); c.364G>A, p.Ala122Thr (NM_024599.5); short protein forms A122T, A93T.
Identifiers: ClinVar variation 325463 (VCV000325463.13), dbSNP rs114238341, ClinGen allele CA8787387.

ClinVar aggregate classification (germline): Benign/Likely benign. Review status: criteria provided, multiple submitters, no conflicts (2 of 4 stars). 4 submissions from 4 submitters: Benign (3); Likely benign (1). Last evaluated 2025-12-24.

Conditions:
Palmoplantar keratoderma-esophageal carcinoma syndrome (TOC). Also called: KERATOSIS PALMARIS ET PLANTARIS WITH ESOPHAGEAL CANCER; PALMOPLANTAR KERATODERMA WITH ESOPHAGEAL CANCER; Tylosis with Esophageal Cancer. Identifiers: Orphanet 2198, MedGen C1835664, MONDO:0007856, OMIM 148500.

Allele frequency attached by ClinVar (database versions not stated): gnomAD exomes 0.00047 and 0.00110; ExAC 0.00176; gnomAD 0.00390 and 0.00418; TOPMed 0.00470; 1000 Genomes Project 0.00479; ESP Exome Variant Server 0.00586; 1000 Genomes Project 30x 0.00593.
gnomAD v4.1: 1,283 of 1,597,016 alleles (0.08%); highest among the groups gnomAD compares: African/African-American, 1.5%; 21 homozygotes.

Submissions (4):

Labcorp Genetics (formerly Invitae), Labcorp
Classification: Benign. Last evaluated: 2025-12-24. Review status: criteria provided, single submitter. Criteria: Invitae Variant Classification Sherloc (09022015). Collection method: clinical testing. Allele origin: germline.

KCCC/NGS Laboratory, Kuwait Cancer Control Center
Classification: Likely benign for Palmoplantar keratoderma-esophageal carcinoma syndrome. Last evaluated: 2023-07-07. Review status: criteria provided, single submitter. Criteria: ACMG Guidelines, 2015. Collection method: clinical testing. Allele origin: germline. Affected: yes.

Illumina Laboratory Services, Illumina
Classification: Benign for Palmoplantar keratoderma-esophageal carcinoma syndrome. Last evaluated: 2018-01-13. Review status: criteria provided, single submitter. Criteria: ICSL Variant Classification Criteria 13 December 2019. Collection method: clinical testing. Allele origin: germline.
Comment: This variant was observed in the ICSL laboratory as part of a predisposition screen in an ostensibly healthy population. It had not been previously curated by ICSL or reported in the Human Gene Mutation Database (HGMD: prior to June 1st, 2018), and was therefore a candidate for classification through an automated scoring system. Utilizing variant allele frequency, disease prevalence and penetrance estimates, and inheritance mode, an automated score was calculated to assess if this variant is too frequent to cause the disease. Based on the score and internal cut-off values, a variant classified as benign is not then subjected to further curation. The score for this variant resulted in a classification of benign for this disease.

Breakthrough Genomics
Classification: Benign. Review status: criteria provided, single submitter. Criteria: ACMG Guidelines, 2015. Collection method: not provided. Allele origin: germline. Inheritance: Autosomal dominant inheritance. Affected: yes.